The following is an entry in ClinVar:

ClinVar aggregate classification (germline): Uncertain significance (1 of 4 stars; one submission).

Conditions:
Symmetrical dyschromatosis of extremities (DSH). Also called: DYSCHROMATOSIS SYMMETRICA HEREDITARIA 1; RETICULATE ACROPIGMENTATION OF DOHI; SYMMETRIC DYSCHROMATOSIS OF THE EXTREMITIES; Dyschromatosis symmetrica hereditaria. Identifiers: Orphanet 41, MedGen C0406775, MONDO:0007483, OMIM 127400.
Aicardi-Goutieres syndrome 6 (AGS6). Identifiers: Orphanet 51, MedGen C3539013, MONDO:0014007, OMIM 615010.

Submission:

Labcorp Genetics (formerly Invitae), Labcorp
Classification: Uncertain significance for Aicardi-Goutieres syndrome 6; Symmetrical dyschromatosis of extremities. Last evaluated: 2023-07-24. Review status: criteria provided, single submitter. Criteria: Invitae Variant Classification Sherloc (09022015). Collection method: clinical testing. Allele origin: germline.
Comment: In summary, the available evidence is currently insufficient to determine the role of this variant in disease. Therefore, it has been classified as a Variant of Uncertain Significance. Algorithms developed to predict the effect of missense changes on protein structure and function output the following: SIFT: "Not Available"; PolyPhen-2: "Benign"; Align-GVGD: "Not Available". The isoleucine amino acid residue is found in multiple mammalian species, which suggests that this missense change does not adversely affect protein function. This variant has not been reported in the literature in individuals affected with ADAR-related conditions. This variant is not present in population databases (gnomAD no frequency). This sequence change replaces valine, which is neutral and non-polar, with isoleucine, which is neutral and non-polar, at codon 199 of the ADAR protein (p.Val199Ile).

NM_001111.5(ADAR):c.595G>A (p.Val199Ile)

Gene: ADAR (adenosine deaminase RNA specific; minus strand). Cytogenetic location: 1q21.3.
Variant type: single nucleotide variant.
Coding change: c.595G>A on transcript NM_001111.5 (MANE Select); coding-DNA position 595, G replaced by A.
Protein change: p.Val199Ile; replaces valine 199 with isoleucine.
Molecular consequence: missense variant. On other transcripts: 5 prime UTR variant (6).
Genome position (GRCh38, 1-based): chr1:154,602,047, C>T on the plus strand (G>A on the coding strand, the complement: ADAR is on the minus strand). VCF-style: chr1-154602047-C-T. GRCh37 (hg19) VCF-style: chr1-154574523-C-T.
Other names: c.-291G>A (NM_001025107.3, NM_001193495.2, NM_001365046.1 and 3 more transcripts); c.622G>A, p.Val208Ile (NM_001365045.1); c.595G>A, p.Val199Ile (NM_015840.4, NM_015841.4); short protein forms V199I, V208I.
Identifiers: ClinVar variation 2950206 (VCV002950206.3), dbSNP rs2526662953, ClinGen allele CA342600958.